The following is an entry in ClinVar:

NM_012308.3(KDM2A):c.1772T>C (p.Met591Thr)

Gene: KDM2A (lysine demethylase 2A; plus strand). Cytogenetic location: 11q13.2.
Variant type: single nucleotide variant.
Coding change: c.1772T>C on transcript NM_012308.3 (MANE Select); coding-DNA position 1772, T replaced by C.
Protein change: p.Met591Thr; replaces methionine 591 with threonine.
Molecular consequence: missense variant. On other transcripts: non-coding transcript variant (1).
Genome position (GRCh38, 1-based): chr11:67,245,397, T>C. VCF-style: chr11-67245397-T-C. GRCh37 (hg19) VCF-style: chr11-67012868-T-C.
Other names: p.Met591Thr; c.1772T>C (NM_012308.2); c.455T>C, p.Met152Thr (NM_001256405.2); short protein forms M152T, M591T.
Identifiers: ClinVar variation 3359230 (VCV003359230.4).
Genomic context (GRCh38, chr11:67,245,397, plus strand): 5'-GTCGAAAATGCAAAGCCTGTGTGCAAGGAGAGTGTGGTGTTTGCCACTACTGCAGAGACA[T>C]GAAGAAGTTTGGGGGGCCTGGACGCATGAAGCAGTCCTGTGTCCTCCGACAGTGCTTGGC-3'
Protein context (NP_036440.1, residues 581-601): ECGVCHYCRD[Met591Thr]KKFGGPGRMK

ClinVar aggregate classification (germline): Likely pathogenic. Review status: criteria provided, multiple submitters, no conflicts (2 of 4 stars). 3 submissions from 3 submitters: Likely pathogenic (2). 1 of the submissions does not count toward it. Last evaluated 2026-05-08.

Conditions:
KDM2A-related neurodevelopmental disorder.
KDM2A related condition.

Submissions (3):

Ambry Genetics
Classification: Likely pathogenic. Last evaluated: 2026-05-08. Review status: criteria provided, single submitter. Criteria: Ambry Variant Classification Scheme 2023. Collection method: clinical testing. Allele origin: germline.
Comment: The c.1772T>C (p.M591T) alteration is located in exon 14 (coding exon 13) of the KDM2A gene. This alteration results from a T to C substitution at nucleotide position 1772, causing the methionine (M) at amino acid position 591 to be replaced by a threonine (T). This variant was not reported in population-based cohorts in the Genome Aggregation Database (gnomAD). This variant was determined to be de novo in at least one individual with features consistent with KDM2A-related neurodevelopmental disorder (Anderson, 2026). This amino acid position is highly conserved in available vertebrate species. This missense variant is located in a region that has a low rate of benign missense variation (Lek, 2016; Firth, 2009). This alteration is predicted to be deleterious by in silico analysis. Based on the available evidence, this alteration is classified as likely pathogenic.

Institute of Human Genetics, University of Leipzig Medical Center
Classification: Likely pathogenic for KDM2A-related neurodevelopmental disorder. Last evaluated: 2025-01-20. Review status: criteria provided, single submitter. Criteria: ACMG Guidelines, 2015. Collection method: research. Allele origin: de novo. Inheritance: Autosomal dominant inheritance. Affected: yes.
Comment: Criteria applied: PS2_MOD, PM2, PP2, PP3

Undiagnosed Diseases Network, NIH
Classification: Uncertain significance for KDM2A related condition. Last evaluated: 2024-05-16. Review status: no assertion criteria provided. Collection method: clinical testing. Allele origin: de novo. Affected: yes. Observed: 1 variant allele, 1 heterozygote. Study: Undiagnosed Diseases Network (NIH), UDN. Not counted in ClinVar's aggregate classification.

Literature cited by the submitters: PubMed 41468891 (cited by Ambry Genetics); DOI 10.1101/2025.03.31.25324695 (cited by Institute of Human Genetics, University of Leipzig Medical Center).